The following is an entry in ClinVar:

NM_000812.4(GABRB1):c.581A>G (p.Asn194Ser)

Gene: GABRB1 (gamma-aminobutyric acid type A receptor subunit beta1; plus strand). Cytogenetic location: 4p12.
Variant type: single nucleotide variant.
Coding change: c.581A>G on transcript NM_000812.4 (MANE Select); coding-DNA position 581, A replaced by G.
Protein change: p.Asn194Ser; replaces asparagine 194 with serine.
Molecular consequence: missense variant.
Genome position (GRCh38, 1-based): chr4:47,403,354, A>G. VCF-style: chr4-47403354-A-G. GRCh37 (hg19) VCF-style: chr4-47405371-A-G.
Other names: short protein forms N194S.
Identifiers: ClinVar variation 1358373 (VCV001358373.8), dbSNP rs2110051444, ClinGen allele CA356810134.

ClinVar aggregate classification (germline): Uncertain significance (1 of 4 stars; one submission).

Submission:

Labcorp Genetics (formerly Invitae), Labcorp
Classification: Uncertain significance. Last evaluated: 2021-06-18. Review status: criteria provided, single submitter. Criteria: Invitae Variant Classification Sherloc (09022015). Collection method: clinical testing. Allele origin: germline.
Comment: This sequence change replaces asparagine with serine at codon 194 of the GABRB1 protein (p.Asn194Ser). The asparagine residue is highly conserved and there is a small physicochemical difference between asparagine and serine. This variant is not present in population databases (ExAC no frequency). This variant has not been reported in the literature in individuals with GABRB1-related conditions. In summary, the available evidence is currently insufficient to determine the role of this variant in disease. Therefore, it has been classified as a Variant of Uncertain Significance. Advanced modeling of protein sequence and biophysical properties (such as structural, functional, and spatial information, amino acid conservation, physicochemical variation, residue mobility, and thermodynamic stability) performed at Invitae indicates that this missense variant is not expected to disrupt GABRB1 protein function.